The following is an entry in ClinVar:

ClinVar aggregate classification (germline): Pathogenic (1 of 4 stars; one submission).

Conditions:
Hereditary diffuse gastric adenocarcinoma (HDGC). Also called: DIFFUSE GASTRIC AND LOBULAR BREAST CANCER SYNDROME. Identifiers: Orphanet 26106, MedGen C1708349, MONDO:0007648, OMIM 137215.

Submission:

Labcorp Genetics (formerly Invitae), Labcorp
Classification: Pathogenic for Hereditary diffuse gastric adenocarcinoma. Last evaluated: 2023-11-08. Review status: criteria provided, single submitter. Criteria: Invitae Variant Classification Sherloc (09022015). Collection method: clinical testing. Allele origin: germline.
Comment: This sequence change creates a premature translational stop signal (p.Cys695*) in the CDH1 gene. It is expected to result in an absent or disrupted protein product. Loss-of-function variants in CDH1 are known to be pathogenic (PMID: 15235021, 20373070). This variant is not present in population databases (gnomAD no frequency). This variant has not been reported in the literature in individuals affected with CDH1-related conditions. For these reasons, this variant has been classified as Pathogenic.

Literature cited by the submitters: PubMed 15235021; PubMed 20373070.

NM_004360.5(CDH1):c.2085T>A (p.Cys695Ter)

Gene: CDH1 (cadherin 1; plus strand). Cytogenetic location: 16q22.1.
Variant type: single nucleotide variant.
Coding change: c.2085T>A on transcript NM_004360.5 (MANE Select); coding-DNA position 2085, T replaced by A.
Protein change: p.Cys695Ter; replaces cysteine 695 with a stop codon.
Molecular consequence: nonsense.
Genome position (GRCh38, 1-based): chr16:68,823,547, T>A. VCF-style: chr16-68823547-T-A. GRCh37 (hg19) VCF-style: chr16-68857450-T-A.
Other names: c.1902T>A, p.Cys634Ter (NM_001317184.2); c.537T>A, p.Cys179Ter (NM_001317185.2); c.120T>A, p.Cys40Ter (NM_001317186.2); short protein forms C179*, C40*, C634*, C695*.
Identifiers: ClinVar variation 2772114 (VCV002772114.3), dbSNP rs1596965954, ClinGen allele CA396467819.